The following is an entry in ClinVar:

ClinVar aggregate classification (germline): Pathogenic/Likely pathogenic. Review status: criteria provided, multiple submitters, no conflicts (2 of 4 stars). 7 submissions from 7 submitters: Pathogenic (2); Likely pathogenic (4). 1 of the submissions does not count toward it. Last evaluated 2025-06-07.

Conditions:
Inborn genetic diseases. Identifiers: MedGen C0950123, MeSH D030342.
Spastic paraplegia. Identifiers: MedGen C0037772, HP:0001258.
Charlevoix-Saguenay spastic ataxia (SACS). Also called: Spastic ataxia of Charlevoix-Saguenay; SPASTIC ATAXIA 6, AUTOSOMAL RECESSIVE; AUTOSOMAL RECESSIVE SPASTIC ATAXIA OF CHARLEVOIX-SAGUENAY. Identifiers: Orphanet 98, MedGen C1849140, MONDO:0010041, OMIM 270550.

Submissions (7):

Natera, Inc.
Classification: Likely pathogenic for Charlevoix-Saguenay type spastic ataxia. Last evaluated: 2025-06-07. Review status: criteria provided, single submitter. Criteria: Natera Variant Classification Schema (03/2026). Collection method: clinical testing. Allele origin: germline.
Comment: The c.3356delC variant in SACS is a frameshift variant predicted to shift the reading frame beginning at codon 1119 and leads to a stop codon 7 codons downstream. This variant is expected to result in nonsense mediated decay, truncation, or a dysfunctional protein product. This variant is rare in the general population with a frequency below the threshold expected for the associated phenotype(s). Given the available evidence, this variant is classified as Likely Pathogenic.

GeneDx
Classification: Likely pathogenic. Last evaluated: 2025-06-04. Review status: criteria provided, single submitter. Criteria: GeneDx Variant Classification Process June 2021. Collection method: clinical testing. Allele origin: germline. Affected: yes.
Comment: Frameshift variant predicted to result in abnormal protein length as the last 3461 amino acids are replaced with 6 different amino acids, and other similar variants have been reported in HGMD; Not observed at significant frequency in large population cohorts (gnomAD); Has not been previously published as pathogenic or benign to our knowledge

Baylor Genetics
Classification: Likely pathogenic for Charlevoix-Saguenay spastic ataxia. Last evaluated: 2024-02-18. Review status: criteria provided, single submitter. Criteria: ACMG Guidelines, 2015. Collection method: clinical testing. Allele origin: unknown.

Labcorp Genetics (formerly Invitae), Labcorp
Classification: Pathogenic for Spastic paraplegia. Last evaluated: 2024-02-11. Review status: criteria provided, single submitter. Criteria: Invitae Variant Classification Sherloc (09022015). Collection method: clinical testing. Allele origin: germline.
Comment: This sequence change creates a premature translational stop signal (p.Pro1119Leufs*7) in the SACS gene. While this is not anticipated to result in nonsense mediated decay, it is expected to disrupt the last 3461 amino acid(s) of the SACS protein. This variant is present in population databases (no rsID available, gnomAD 0.008%). This variant has not been reported in the literature in individuals affected with SACS-related conditions. ClinVar contains an entry for this variant (Variation ID: 371143). This variant disrupts a region of the SACS protein in which other variant(s) (p.Leu4303*, p.Arg3903*) have been determined to be pathogenic (PMID: 19892370, 21745802; Invitae). This suggests that this is a clinically significant region of the protein, and that variants that disrupt it are likely to be disease-causing. For these reasons, this variant has been classified as Pathogenic.

Ambry Genetics
Classification: Pathogenic for Inborn genetic diseases. Last evaluated: 2022-02-28. Review status: criteria provided, single submitter. Criteria: Ambry Variant Classification Scheme 2023. Collection method: clinical testing. Allele origin: germline.
Comment: The c.3356delC (p.P1119Lfs*7) alteration, located in exon 10 (coding exon 9) of the SACS gene, consists of a deletion of one nucleotide at position 3356, causing a translational frameshift with a predicted alternate stop codon after 7 amino acids. This alteration is not expected to trigger nonsense-mediated mRNA decay and impacts the last 75.5% of the protein. Premature stop codons are typically deleterious in nature, a significant portion of the protein is affected, and multiple truncating alterations downstream have been reported as disease causing (Ambry internal data). Based on data from gnomAD, this alteration has an overall frequency of <0.01% (2/279586) total alleles studied. The highest observed frequency was 0.01% (2/24934) of African alleles. Based on the available evidence, this alteration is classified as pathogenic.

Genome-Nilou Lab
Classification: Likely pathogenic for Charlevoix-Saguenay spastic ataxia. Last evaluated: 2021-09-05. Review status: criteria provided, single submitter. Criteria: ACMG Guidelines, 2015. Collection method: clinical testing. Allele origin: germline. Affected: no.

Counsyl
Classification: Likely pathogenic for Charlevoix-Saguenay spastic ataxia. Last evaluated: 2016-07-11. Review status: no assertion criteria provided. Collection method: clinical testing. Allele origin: unknown. Not counted in ClinVar's aggregate classification.

Literature cited by the submitters: PubMed 19892370 (cited by Labcorp Genetics (formerly Invitae), Labcorp); PubMed 21745802 (cited by Labcorp Genetics (formerly Invitae), Labcorp).

NM_014363.6(SACS):c.3356del (p.Pro1119fs)

Gene: SACS (sacsin molecular chaperone; minus strand). Cytogenetic location: 13q12.12.
Variant type: Deletion.
Coding change: c.3356del on transcript NM_014363.6 (MANE Select); coding-DNA position 3356, one base deleted (C; older notation c.3356delC).
Protein change: p.Pro1119fs; shifts the reading frame from proline 1119.
Molecular consequence: frameshift variant.
Genome position (GRCh38, 1-based): chr13:23,340,520, G deleted on the plus strand (C on the coding strand, the reverse complement: SACS is on the minus strand); the first of 2 consecutive G bases (chr13:23,340,520-23,340,521); deleting either gives the same sequence. VCF-style (leftmost placement, unchanged base first): chr13-23340519-AG-A. GRCh37 (hg19) VCF-style: chr13-23914658-AG-A.
Other names: c.2915del, p.Pro972fs (NM_001278055.2); c.3356delC (NM_014363.5); c.3356del (NM_014363.4); short protein forms P972fs, P1119fs.
Identifiers: ClinVar variation 371143 (VCV000371143.16), dbSNP rs1057517039, ClinGen allele CA16041641.